The following is an entry in ClinVar:

ClinVar aggregate classification (germline): Pathogenic (1 of 4 stars; one submission).

Allele frequency attached by ClinVar (database versions not stated): gnomAD exomes below 0.00001.
gnomAD v4.1: 1 of 1,614,152 alleles (0.000062%); highest among the groups gnomAD compares: Non-Finnish European, 0.000085%; no homozygotes.

Submission:

Labcorp Genetics (formerly Invitae), Labcorp
Classification: Pathogenic. Last evaluated: 2023-06-04. Review status: criteria provided, single submitter. Criteria: Invitae Variant Classification Sherloc (09022015). Collection method: clinical testing. Allele origin: germline.
Comment: For these reasons, this variant has been classified as Pathogenic. Algorithms developed to predict the effect of sequence changes on RNA splicing suggest that this variant may disrupt the consensus splice site. This premature translational stop signal has been observed in individual(s) with oculocutaneous albinism (PMID: 27734839, 31077556). This variant is not present in population databases (gnomAD no frequency). This sequence change creates a premature translational stop signal (p.Glu282*) in the SLC45A2 gene. It is expected to result in an absent or disrupted protein product. Loss-of-function variants in SLC45A2 are known to be pathogenic (PMID: 21458243, 26573111).

Literature cited by the submitters: PubMed 27734839; PubMed 31077556; PubMed 21458243; PubMed 26573111.

NM_016180.5(SLC45A2):c.844G>T (p.Glu282Ter)

Gene: SLC45A2 (solute carrier family 45 member 2; minus strand). Cytogenetic location: 5p13.2.
Variant type: single nucleotide variant.
Coding change: c.844G>T on transcript NM_016180.5 (MANE Select); coding-DNA position 844, G replaced by T.
Protein change: p.Glu282Ter; replaces glutamic acid 282 with a stop codon.
Molecular consequence: nonsense. On other transcripts: intron variant (1).
Genome position (GRCh38, 1-based): chr5:33,963,735, C>A on the plus strand (G>T on the coding strand, the complement: SLC45A2 is on the minus strand). VCF-style: chr5-33963735-C-A. GRCh37 (hg19) VCF-style: chr5-33963840-C-A.
Other names: c.844G>T, p.Glu282Ter (NM_001012509.4); c.563-9231G>T (NM_001297417.4); short protein forms E282*.
Identifiers: ClinVar variation 2734706 (VCV002734706.3), dbSNP rs1328291937, ClinGen allele CA359393077.